The following is an entry in ClinVar:

NM_017934.7(PHIP):c.4225C>T (p.Arg1409Cys)

Genes: IRAK1BP1 (interleukin 1 receptor associated kinase 1 binding protein 1; plus strand), PHIP (PHIP subunit of CUL4-Ring ligase complex; minus strand). Cytogenetic location: 6q14.1.
Variant type: single nucleotide variant.
Coding change: c.4225C>T on transcript NM_017934.7 (MANE Select); coding-DNA position 4225, C replaced by T.
Protein change: p.Arg1409Cys; replaces arginine 1409 with cysteine.
Molecular consequence: missense variant.
Genome position (GRCh38, 1-based): chr6:78,946,856, G>A on the plus strand (C>T on the coding strand, the complement: PHIP is on the minus strand). VCF-style: chr6-78946856-G-A. GRCh37 (hg19) VCF-style: chr6-79656573-G-A.
Other names: c.4225C>T (NM_017934.5); short protein forms R1409C.
Identifiers: ClinVar variation 2794506 (VCV002794506.5), dbSNP rs1281832622, ClinGen allele CA364639654.

ClinVar aggregate classification (germline): Uncertain significance. Review status: criteria provided, multiple submitters, no conflicts (2 of 4 stars). 3 submissions from 3 submitters: Uncertain significance (3). Last evaluated 2025-08-31.

Conditions:
Inborn genetic diseases. Identifiers: MedGen C0950123, MeSH D030342.

Allele frequency attached by ClinVar (database versions not stated): gnomAD exomes below 0.00001.
gnomAD v4.1: 2 of 1,566,254 alleles (0.00013%); highest among the groups gnomAD compares: Non-Finnish European, 0.00017%; no homozygotes.

Submissions (3):

Ambry Genetics
Classification: Uncertain significance for Inborn genetic diseases. Last evaluated: 2025-08-31. Review status: criteria provided, single submitter. Criteria: Ambry Variant Classification Scheme 2023. Collection method: clinical testing. Allele origin: germline.

Labcorp Genetics (formerly Invitae), Labcorp
Classification: Uncertain significance. Last evaluated: 2024-09-06. Review status: criteria provided, single submitter. Criteria: Invitae Variant Classification Sherloc (09022015). Collection method: clinical testing. Allele origin: germline.
Comment: This sequence change replaces arginine, which is basic and polar, with cysteine, which is neutral and slightly polar, at codon 1409 of the PHIP protein (p.Arg1409Cys). This variant is not present in population databases (gnomAD no frequency). This variant has not been reported in the literature in individuals affected with PHIP-related conditions. Invitae Evidence Modeling of protein sequence and biophysical properties (such as structural, functional, and spatial information, amino acid conservation, physicochemical variation, residue mobility, and thermodynamic stability) indicates that this missense variant is expected to disrupt PHIP protein function with a positive predictive value of 80%. In summary, the available evidence is currently insufficient to determine the role of this variant in disease. Therefore, it has been classified as a Variant of Uncertain Significance.

Blueprint Genetics
Classification: Uncertain significance. Last evaluated: 2022-01-03. Review status: criteria provided, single submitter. Criteria: ACMG Guidelines, 2015. Collection method: clinical testing. Allele origin: germline.